The following is an entry in ClinVar:

NM_022489.4(INF2):c.77C>T (p.Thr26Met)

Gene: INF2 (inverted formin 2; plus strand). Cytogenetic location: 14q32.33.
Variant type: single nucleotide variant.
Coding change: c.77C>T on transcript NM_022489.4 (MANE Select); coding-DNA position 77, C replaced by T.
Protein change: p.Thr26Met; replaces threonine 26 with methionine.
Molecular consequence: missense variant.
Genome position (GRCh38, 1-based): chr14:104,701,442, C>T. VCF-style: chr14-104701442-C-T. GRCh37 (hg19) VCF-style: chr14-105167779-C-T.
Other names: c.77C>T (NM_022489.3); c.77C>T, p.Thr26Met (NM_001031714.4, NM_032714.3); short protein forms T26M.
Identifiers: ClinVar variation 1052793 (VCV001052793.11), dbSNP rs1479164061, ClinGen allele CA391224745.

ClinVar aggregate classification (germline): Uncertain significance. Review status: criteria provided, multiple submitters, no conflicts (2 of 4 stars). 3 submissions from 3 submitters: Uncertain significance (3). Last evaluated 2026-05-08.

Conditions:
INF2-related disorder. Also called: INF2-related condition.
Charcot-Marie-Tooth disease dominant intermediate E. Also called: CHARCOT-MARIE-TOOTH NEUROPATHY WITH FOCAL SEGMENTAL GLOMERULONEPHRITIS. Identifiers: Orphanet 93114, MedGen C4302667, MONDO:0013758, OMIM 614455.
Focal segmental glomerulosclerosis 5 (FSGS5). Identifiers: Orphanet 656, MedGen C2750475, MONDO:0013191, OMIM 613237.

Allele frequency attached by ClinVar (database versions not stated): gnomAD exomes 0.00001; TOPMed 0.00001.
gnomAD v4.1: 10 of 1,595,918 alleles (0.00063%); highest among the groups gnomAD compares: Non-Finnish European, 0.00068%; no homozygotes.

Submissions (3):

PreventionGenetics, part of Exact Sciences
Classification: Uncertain significance for INF2-related condition. Last evaluated: 2026-05-08. Review status: criteria provided, single submitter. Criteria: ACMG Guidelines, 2015. Collection method: clinical testing. Allele origin: germline.
Comment: The INF2 c.77C>T variant is predicted to result in the amino acid substitution p.Thr26Met. To our knowledge, this variant has not been reported in the literature. This variant is reported in 0.0011% of alleles in individuals of European (non-Finnish) descent in gnomAD. At this time, the clinical significance of this variant is uncertain due to the absence of conclusive functional and genetic evidence.

Fulgent Genetics
Classification: Uncertain significance for Focal segmental glomerulosclerosis 5; Charcot-Marie-Tooth disease dominant intermediate E. Last evaluated: 2024-04-15. Review status: criteria provided, single submitter. Criteria: ACMG Guidelines, 2015. Collection method: clinical testing. Allele origin: germline.

Labcorp Genetics (formerly Invitae), Labcorp
Classification: Uncertain significance for Charcot-Marie-Tooth disease dominant intermediate E; Focal segmental glomerulosclerosis 5. Last evaluated: 2023-06-24. Review status: criteria provided, single submitter. Criteria: Invitae Variant Classification Sherloc (09022015). Collection method: clinical testing. Allele origin: germline.
Comment: This variant is not present in population databases (gnomAD no frequency). In summary, the available evidence is currently insufficient to determine the role of this variant in disease. Therefore, it has been classified as a Variant of Uncertain Significance. Advanced modeling of protein sequence and biophysical properties (such as structural, functional, and spatial information, amino acid conservation, physicochemical variation, residue mobility, and thermodynamic stability) performed at Invitae indicates that this missense variant is not expected to disrupt INF2 protein function. ClinVar contains an entry for this variant (Variation ID: 1052793). This variant has not been reported in the literature in individuals affected with INF2-related conditions. This sequence change replaces threonine, which is neutral and polar, with methionine, which is neutral and non-polar, at codon 26 of the INF2 protein (p.Thr26Met).